The following is an entry in ClinVar:

ClinVar aggregate classification (germline): Benign/Likely benign. Review status: criteria provided, multiple submitters, no conflicts (2 of 4 stars). 6 submissions from 6 submitters: Benign (4); Likely benign (1). 1 of the submissions does not count toward it. Last evaluated 2026-02-03.

Conditions:
History of neurodevelopmental disorder. Identifiers: MedGen C2711754.
Pitt-Hopkins-like syndrome 2 (PTHSL2). Identifiers: Orphanet 221150, Orphanet 600663, MedGen C3280479, MONDO:0013690, OMIM 614325.

Allele frequency attached by ClinVar (database versions not stated): ExAC 0.00249; 1000 Genomes Project 0.00539; 1000 Genomes Project 30x 0.00578; gnomAD 0.00677 and 0.00737; ESP Exome Variant Server 0.00761; TOPMed 0.00772.
gnomAD v4.1: 2,174 of 1,613,328 alleles (0.13%); highest among the groups gnomAD compares: African/African-American, 2.4%; 21 homozygotes.

Submissions (6):

Labcorp Genetics (formerly Invitae), Labcorp
Classification: Benign for Pitt-Hopkins-like syndrome 2. Last evaluated: 2026-02-03. Review status: criteria provided, single submitter. Criteria: Invitae Variant Classification Sherloc (09022015). Collection method: clinical testing. Allele origin: germline.

Athena Diagnostics
Classification: Benign. Last evaluated: 2024-12-30. Review status: criteria provided, single submitter. Criteria: Athena Diagnostics Criteria. Collection method: clinical testing. Allele origin: unknown.
Comment: The frequency of this variant in the general population is higher than would generally be expected for pathogenic variants in this gene. Computational tools yielded predictions that this variant is unlikely to have an effect on normal RNA splicing. This nucleotide position exhibits low evolutionary conservation.

Illumina Laboratory Services, Illumina
Classification: Benign for Pitt-Hopkins-like syndrome 2. Last evaluated: 2018-01-12. Review status: criteria provided, single submitter. Criteria: ICSL Variant Classification Criteria 13 December 2019. Collection method: clinical testing. Allele origin: germline.
Comment: This variant was observed in the ICSL laboratory as part of a predisposition screen in an ostensibly healthy population. It had not been previously curated by ICSL or reported in the Human Gene Mutation Database (HGMD: prior to June 1st, 2018), and was therefore a candidate for classification through an automated scoring system. Utilizing variant allele frequency, disease prevalence and penetrance estimates, and inheritance mode, an automated score was calculated to assess if this variant is too frequent to cause the disease. Based on the score and internal cut-off values, a variant classified as benign is not then subjected to further curation. The score for this variant resulted in a classification of benign for this disease.

Ambry Genetics
Classification: Likely benign for History of neurodevelopmental disorder. Last evaluated: 2016-09-28. Review status: criteria provided, single submitter. Criteria: Ambry Autosomal Dominant and X-Linked criteria (10/2015). Collection method: clinical testing. Allele origin: germline. Observed: 1 variant allele.
Comment: Synonymous alterations with insufficient evidence to classify as benign

GeneDx
Classification: Benign. Last evaluated: 2012-05-18. Review status: criteria provided, single submitter. Criteria: GeneDx Variant Classification (06012015). Collection method: clinical testing. Allele origin: germline. Affected: yes.
Comment: This variant is considered likely benign or benign based on one or more of the following criteria: it is a conservative change, it occurs at a poorly conserved position in the protein, it is predicted to be benign by multiple in silico algorithms, and/or has population frequency not consistent with disease.

Genetic Services Laboratory, University of Chicago
Classification: Likely benign for AllHighlyPenetrant. Review status: no assertion criteria provided. Collection method: clinical testing. Allele origin: germline. Inheritance: Autosomal recessive inheritance. Not counted in ClinVar's aggregate classification.
Comment: Likely benign based on allele frequency in 1000 Genomes Project or ESP global frequency and its presence in a patient with a rare or unrelated disease phenotype. NOT Sanger confirmed.

NM_001330078.2(NRXN1):c.3408G>A (p.Thr1136=)

Gene: NRXN1 (neurexin 1; minus strand). Cytogenetic location: 2p16.3.
Variant type: single nucleotide variant.
Coding change: c.3408G>A on transcript NM_001330078.2 (MANE Select); coding-DNA position 3408, G replaced by A.
Protein change: p.Thr1136=; no amino-acid change (threonine 1136 retained).
Molecular consequence: synonymous variant.
Genome position (GRCh38, 1-based): chr2:50,236,927, C>T on the plus strand (G>A on the coding strand, the complement: NRXN1 is on the minus strand). VCF-style: chr2-50236927-C-T. GRCh37 (hg19) VCF-style: chr2-50464065-C-T.
Other names: p.T1176T:ACG>ACA; c.3528G>A, p.Thr1176= (NM_001135659.3); c.3384G>A, p.Thr1128= (NM_001330077.2, NM_001330082.2); c.3342G>A, p.Thr1114= (NM_001330083.2, NM_001330084.2); c.3381G>A, p.Thr1127= (NM_001330085.2); c.3408G>A, p.Thr1136= (NM_001330086.2, NM_004801.6); c.3297G>A, p.Thr1099= (NM_001330087.2, NM_001330096.2); c.3327G>A, p.Thr1109= (NM_001330088.2); and 4 more.
Identifiers: ClinVar variation 129822 (VCV000129822.23), dbSNP rs80094872, ClinGen allele CA288972.